The following is an entry in ClinVar:

ClinVar aggregate classification (germline): Likely pathogenic (1 of 4 stars; one submission).

Conditions:
Intellectual developmental disorder, X-linked, syndromic, Billuart type. Also called: MENTAL RETARDATION, X-LINKED 60; X-linked intellectual disability-cerebellar hypoplasia syndrome. Identifiers: Orphanet 137831, MedGen C1845366, MONDO:0010337, OMIM 300486.

Submission:

Women's Health and Genetics/Laboratory Corporation of America, LabCorp
Classification: Likely pathogenic for Intellectual developmental disorder, X-linked, syndromic, Billuart type. Last evaluated: 2022-12-05. Review status: criteria provided, single submitter. Criteria: LabCorp Variant Classification Summary - May 2015. Collection method: clinical testing. Allele origin: germline.
Comment: Variant summary: The variant identified by MLPA or other technology involves the deletion of exons 3-5 in the OPHN1 gene. A presumed nomenclature of c.(154+1_155-1)_(384+1_385-1)del has been designated for the purposes of this classification. Although exact breakpoints of this deletion are not known, it is expected to result in a frameshift in the OPHN1 gene, a known mechanism of disease. The variant allele was found at a frequency of 6.2e-05 in 16120 control chromosomes (gnomAD SVs). To our knowledge, no occurrence of c.(154+1_155-1)_(384+1_385-1)del in individuals affected with X-Linked Intellectual Disability-Cerebellar Hypoplasia Syndrome and no experimental evidence demonstrating its impact on protein function have been reported. No clinical diagnostic laboratories have submitted clinical-significance assessments for this variant to ClinVar after 2014. Based on the evidence outlined above, the variant was classified as likely pathogenic.

NC_000023.10:g.(67454431_67494579)_(67518939_67652708)del

Gene: OPHN1 (oligophrenin 1; minus strand). Cytogenetic location: Xq12.
Variant type: Deletion.
Identifiers: ClinVar variation 1878427 (VCV001878427.1).